The following is an entry in ClinVar:

ClinVar aggregate classification (germline): Uncertain significance. Review status: criteria provided, multiple submitters, no conflicts (2 of 4 stars). 2 submissions from 2 submitters: Uncertain significance (2). Last evaluated 2021-08-30.

Allele frequency attached by ClinVar (database versions not stated): gnomAD exomes 0.00003 and 0.00006; TOPMed 0.00004; ExAC 0.00006; gnomAD 0.00008 and 0.00009.
gnomAD v4.1: 56 of 1,606,296 alleles (0.0035%); highest among the groups gnomAD compares: Admixed American, 0.015%; no homozygotes.

Submissions (2):

Labcorp Genetics (formerly Invitae), Labcorp
Classification: Uncertain significance. Last evaluated: 2021-08-30. Review status: criteria provided, single submitter. Criteria: Invitae Variant Classification Sherloc (09022015). Collection method: clinical testing. Allele origin: germline.
Comment: This sequence change replaces glutamic acid with lysine at codon 332 of the PKDCC protein (p.Glu332Lys). The glutamic acid residue is highly conserved and there is a small physicochemical difference between glutamic acid and lysine. This variant is present in population databases (rs201349790, ExAC 0.01%). This variant has not been reported in the literature in individuals affected with PKDCC-related conditions. Algorithms developed to predict the effect of missense changes on protein structure and function are either unavailable or do not agree on the potential impact of this missense change (SIFT: "Deleterious"; PolyPhen-2: "Benign"; Align-GVGD: "Class C15"). In summary, the available evidence is currently insufficient to determine the role of this variant in disease. Therefore, it has been classified as a Variant of Uncertain Significance.

Breakthrough Genomics
Classification: Uncertain significance. Review status: criteria provided, single submitter. Criteria: ACMG Guidelines, 2015. Collection method: not provided. Allele origin: germline. Inheritance: Autosomal recessive inheritance. Affected: yes.

NM_138370.3(PKDCC):c.994G>A (p.Glu332Lys)

Gene: PKDCC (protein kinase domain containing, cytoplasmic; plus strand). Cytogenetic location: 2p21.
Variant type: single nucleotide variant.
Coding change: c.994G>A on transcript NM_138370.3 (MANE Select); coding-DNA position 994, G replaced by A.
Protein change: p.Glu332Lys; replaces glutamic acid 332 with lysine.
Molecular consequence: missense variant.
Genome position (GRCh38, 1-based): chr2:42,054,267, G>A. VCF-style: chr2-42054267-G-A. GRCh37 (hg19) VCF-style: chr2-42281407-G-A.
Other names: short protein forms E332K.
Identifiers: ClinVar variation 1432868 (VCV001432868.6), dbSNP rs201349790, ClinGen allele CA1628081.